The following is an entry in ClinVar:

NM_006031.6(PCNT):c.1334_1335del (p.Lys445fs)

Gene: PCNT (pericentrin; plus strand). Cytogenetic location: 21q22.3.
Variant type: Deletion.
Coding change: c.1334_1335del on transcript NM_006031.6 (MANE Select); coding-DNA positions 1334 to 1335, 2 bases deleted (AA; older notation c.1334_1335delAA).
Protein change: p.Lys445fs; shifts the reading frame from lysine 445.
Molecular consequence: frameshift variant.
Genome position (GRCh38, 1-based): chr21:46,349,810-46,349,811, AA deleted; deleting any 2 consecutive bases within chr21:46,349,807-46,349,811 gives the same sequence; the c. name uses the placement nearest the transcript's 3' end. VCF-style (leftmost placement, unchanged base first): chr21-46349806-GAA-G. GRCh37 (hg19) VCF-style: chr21-47769720-GAA-G.
Other names: c.980_981del, p.Lys327fs (NM_001315529.2); short protein forms K327fs, K445fs.
Identifiers: ClinVar variation 2431033 (VCV002431033.2), dbSNP rs2518083790, ClinGen allele CA2580098980.

ClinVar aggregate classification (germline): Likely pathogenic (1 of 4 stars; one submission).

Conditions:
Microcephalic osteodysplastic primordial dwarfism type II (MOPD2). Also called: MOPD II; Microcephalic osteodysplastic primordial dwarfism with tooth abnormalities; OSTEODYSPLASTIC PRIMORDIAL DWARFISM, TYPE II. Identifiers: Orphanet 2637, MedGen C0432246, MONDO:0008872, OMIM 210720.

Submission:

Department of Paediatric Medicine, Post Graduation Institute of Medical Education and Research
Classification: Likely pathogenic for Microcephalic osteodysplastic primordial dwarfism type II. Last evaluated: 2023-03-01. Review status: criteria provided, single submitter. Criteria: ACMG Guidelines, 2015. Collection method: clinical testing. Allele origin: inherited. Inheritance: Autosomal recessive inheritance. Affected: no. Observed: 1 variant allele, 1 heterozygote.
Comment: PVS1: Null variant (frame-shift) in gene PCNT, predicted to cause NMD. Loss-of-function is a known mechanism of disease (gene has 113 reported pathogenic LOF variants). The truncated region contains 94 pathogenic variants. PM2: Variant is not present in gnomAD